The following is an entry in ClinVar:

ClinVar aggregate classification (germline): Uncertain significance (1 of 4 stars; one submission).

Conditions:
Hereditary cancer-predisposing syndrome. Also called: Hereditary Cancer Syndrome; Hereditary neoplastic syndrome; Tumor predisposition; Neoplastic Syndromes, Hereditary. Identifiers: Orphanet 140162, MedGen C0027672, MeSH D009386, MONDO:0015356.
Cardiovascular phenotype. Identifiers: MedGen CN230736.

Submission:

Ambry Genetics
Classification: Uncertain significance for Cardiovascular phenotype; Hereditary cancer-predisposing syndrome. Last evaluated: 2024-12-07. Review status: criteria provided, single submitter. Criteria: Ambry Variant Classification Scheme 2023. Collection method: clinical testing. Allele origin: germline.
Comment: The p.I795S variant (also known as c.2384T>G), located in coding exon 20 of the LZTR1 gene, results from a T to G substitution at nucleotide position 2384. The isoleucine at codon 795 is replaced by serine, an amino acid with dissimilar properties. This amino acid position is conserved. In addition, this alteration is predicted to be deleterious by in silico analysis. Based on the available evidence, the clinical significance of this variant remains unclear.

NM_006767.4(LZTR1):c.2384T>G (p.Ile795Ser)

Gene: LZTR1 (leucine zipper like post translational regulator 1; plus strand). Cytogenetic location: 22q11.21.
Variant type: single nucleotide variant.
Coding change: c.2384T>G on transcript NM_006767.4 (MANE Select); coding-DNA position 2384, T replaced by G.
Protein change: p.Ile795Ser; replaces isoleucine 795 with serine.
Molecular consequence: missense variant.
Genome position (GRCh38, 1-based): chr22:20,996,944, T>G. VCF-style: chr22-20996944-T-G. GRCh37 (hg19) VCF-style: chr22-21351233-T-G.
Other names: short protein forms I795S.
Identifiers: ClinVar variation 3541727 (VCV003541727.1).